The following is an entry in ClinVar:

ClinVar aggregate classification (germline): Uncertain significance. Review status: criteria provided, multiple submitters, no conflicts (2 of 4 stars). 2 submissions from 2 submitters: Uncertain significance (2). Last evaluated 2024-02-18.

Conditions:
Frasier syndrome. Identifiers: Orphanet 347, MedGen C0950122, MeSH D052159, MONDO:0007635, OMIM 136680.
Wilms tumor 1 (WT1). Also called: Wilms tumor, somatic. Identifiers: Orphanet 654, MedGen CN033288, MONDO:0008679, OMIM 194070.
11p partial monosomy syndrome (WAGR). Also called: WAGR Complex; CHROMOSOME 11p13 DELETION SYNDROME; WAGR syndrome; WAGR Spectrum Disorder. Identifiers: Orphanet 893, MedGen C0206115, MONDO:0008681, OMIM 194072.
Drash syndrome (DDS). Also called: NEPHROPATHY, WILMS TUMOR, AND GENITAL ANOMALIES; WILMS TUMOR AND PSEUDO- OR TRUE HERMAPHRODITISM. Identifiers: Orphanet 220, MedGen C0950121, MONDO:0008682, OMIM 194080.

Allele frequency attached by ClinVar (database versions not stated): gnomAD exomes below 0.00001 and 0.00001.
gnomAD v4.1: 1 of 1,532,394 alleles (0.000065%); highest among the groups gnomAD compares: Admixed American, 0.002%; no homozygotes.

Submissions (2):

Baylor Genetics
Classification: Uncertain significance for Drash syndrome. Last evaluated: 2024-02-18. Review status: criteria provided, single submitter. Criteria: ACMG Guidelines, 2015. Collection method: clinical testing. Allele origin: unknown.

Labcorp Genetics (formerly Invitae), Labcorp
Classification: Uncertain significance for Wilms tumor 1; Drash syndrome; 11p partial monosomy syndrome; Frasier syndrome. Last evaluated: 2023-04-14. Review status: criteria provided, single submitter. Criteria: Invitae Variant Classification Sherloc (09022015). Collection method: clinical testing. Allele origin: germline.
Comment: This sequence change replaces serine, which is neutral and polar, with cysteine, which is neutral and slightly polar, at codon 6 of the WT1 protein (p.Ser6Cys). This variant is present in population databases (no rsID available, gnomAD 0.004%). In summary, the available evidence is currently insufficient to determine the role of this variant in disease. Therefore, it has been classified as a Variant of Uncertain Significance. An algorithm developed to predict the effect of missense changes on protein structure and function (PolyPhen-2) suggests that this variant is likely to be tolerated. ClinVar contains an entry for this variant (Variation ID: 1057387). This variant has not been reported in the literature in individuals affected with WT1-related conditions.

NM_024426.6(WT1):c.32C>G (p.Ser11Cys)

Genes: WT1 (WT1 transcription factor; minus strand), LOC107982234 (WT1/WT1-AS bi-directional promoter region; plus strand). Cytogenetic location: 11p13.
Variant type: single nucleotide variant.
Coding change: c.32C>G on transcript NM_024426.6 (MANE Select); coding-DNA position 32, C replaced by G.
Protein change: p.Ser11Cys; replaces serine 11 with cysteine.
Molecular consequence: missense variant. On other transcripts: non-coding transcript variant (1).
Genome position (GRCh38, 1-based): chr11:32,435,329, G>C on the plus strand (C>G on the coding strand, the complement: WT1 is on the minus strand). VCF-style: chr11-32435329-G-C. GRCh37 (hg19) VCF-style: chr11-32456875-G-C.
Other names: c.32C>G, p.Ser11Cys (NM_000378.6, NM_024424.5); short protein forms S11C.
Identifiers: ClinVar variation 1057387 (VCV001057387.10), dbSNP rs1412950681, ClinGen allele CA379966529.